The following is an entry in ClinVar:

Conditions:
Breast-ovarian cancer, familial, susceptibility to, 1 (BROVCA1). Also called: BRCA1 Hereditary Breast and Ovarian Cancer; OVARIAN CANCER, SUSCEPTIBILITY TO. Identifiers: Orphanet 145, MedGen C2676676, MONDO:0011450, OMIM 604370. Disease mechanism: loss of function.

Submission:

Brotman Baty Institute, University of Washington
No classification provided (evidence only). Condition: Breast-ovarian cancer, familial 1. Review status: no classification provided. Collection method: in vitro. Allele origin: not applicable. Functional consequence: functionally_normal.
ClinVar note: "not provided" was previously submitted as the classification for the variant. However, the classification appeared to be based only on an observation of functional data so it was converted to no classification on 2025-07-30.

NM_007294.4(BRCA1):c.205A>G (p.Thr69Ala)

Gene: BRCA1 (BRCA1 DNA repair associated; minus strand). Cytogenetic location: 17q21.31.
Variant type: single nucleotide variant.
Coding change: c.205A>G on transcript NM_007294.4 (MANE Select); coding-DNA position 205, A replaced by G.
Protein change: p.Thr69Ala; replaces threonine 69 with alanine.
Molecular consequence: missense variant.
Genome position (GRCh38, 1-based): chr17:43,106,463, T>C on the plus strand (A>G on the coding strand, the complement: BRCA1 is on the minus strand). VCF-style: chr17-43106463-T-C. GRCh37 (hg19) VCF-style: chr17-41258480-T-C.
Other names: c.64A>G, p.Thr22Ala (NM_001407731.1, NM_001407732.1, NM_001407733.1 and 99 more transcripts); c.205A>G, p.Thr69Ala (NM_001407854.1, NM_001407858.1, NM_001407859.1 and 168 more transcripts); short protein forms T69A, T22A.
Identifiers: ClinVar variation 868280 (VCV000868280.3), dbSNP rs2054771433, ClinGen allele CA10601758.